The following is an entry in ClinVar:

ClinVar aggregate classification (germline): Conflicting classifications of pathogenicity. Review status: criteria provided, conflicting classifications (1 of 4 stars). 2 submissions from 2 submitters: Uncertain significance (1); Likely benign (1). Last evaluated 2025-05-26.

Conditions:
Hereditary cancer-predisposing syndrome. Also called: Tumor predisposition; Neoplastic Syndromes, Hereditary; Hereditary Cancer Syndrome; Hereditary neoplastic syndrome. Identifiers: Orphanet 140162, MedGen C0027672, MeSH D009386, MONDO:0015356.

Submissions (2):

Ambry Genetics
Classification: Uncertain significance for Hereditary cancer-predisposing syndrome. Last evaluated: 2025-05-26. Review status: criteria provided, single submitter. Criteria: Ambry Variant Classification Scheme 2023. Collection method: clinical testing. Allele origin: germline.
Comment: The c.579-5C>T intronic variant results from a C to T substitution 5 nucleotides upstream from coding exon 7 in the POLE gene. This nucleotide position is poorly conserved in available vertebrate species. In silico splice site analysis predicts that this alteration will not have any significant effect on splicing. Based on the available evidence, the clinical significance of this variant remains unclear.

Labcorp Genetics (formerly Invitae), Labcorp
Classification: Likely benign. Last evaluated: 2023-10-14. Review status: criteria provided, single submitter. Criteria: Invitae Variant Classification Sherloc (09022015). Collection method: clinical testing. Allele origin: germline.

NM_006231.4(POLE):c.579-5C>T

Gene: POLE (DNA polymerase epsilon, catalytic subunit; minus strand). Cytogenetic location: 12q24.33.
Variant type: single nucleotide variant.
Coding change: c.579-5C>T on transcript NM_006231.4 (MANE Select); 5 bases into the intron before coding-DNA position 579, C replaced by T.
Molecular consequence: intron variant.
Genome position (GRCh38, 1-based): chr12:132,677,724, G>A on the plus strand (C>T on the coding strand, the complement: POLE is on the minus strand). VCF-style: chr12-132677724-G-A. GRCh37 (hg19) VCF-style: chr12-133254310-G-A.
Other names: c.579-5C>T (NM_006231.2).
Identifiers: ClinVar variation 762234 (VCV000762234.10), dbSNP rs1417046088, ClinGen allele CA915946770.